The following is an entry in ClinVar:

NM_032199.3(ARID5B):c.375C>T (p.His125=)

Gene: ARID5B (AT-rich interaction domain 5B; plus strand). Cytogenetic location: 10q21.2.
Variant type: single nucleotide variant.
Coding change: c.375C>T on transcript NM_032199.3 (MANE Select); coding-DNA position 375, C replaced by T.
Protein change: p.His125=; no amino-acid change (histidine 125 retained).
Molecular consequence: synonymous variant.
Genome position (GRCh38, 1-based): chr10:61,940,281, C>T. VCF-style: chr10-61940281-C-T. GRCh37 (hg19) VCF-style: chr10-63700040-C-T.
Identifiers: ClinVar variation 3048787 (VCV003048787.2), dbSNP rs370446097, ClinGen allele CA5515071.

ClinVar aggregate classification (germline): Likely benign (0 of 4 stars; one submission).

Conditions:
ARID5B-related disorder. Also called: ARID5B-related condition.

Allele frequency attached by ClinVar (database versions not stated): ExAC 0.00012; 1000 Genomes Project 30x 0.00016; 1000 Genomes Project 0.00020; gnomAD 0.00027; TOPMed 0.00028; gnomAD exomes 0.00029; ESP Exome Variant Server 0.00046.
gnomAD v4.1: 477 of 1,614,166 alleles (0.03%); highest among the groups gnomAD compares: Non-Finnish European, 0.037%; 2 homozygotes.

Submission:

PreventionGenetics, part of Exact Sciences
Classification: Likely benign for ARID5B-related condition. Last evaluated: 2019-11-26. Review status: no assertion criteria provided. Collection method: clinical testing. Allele origin: germline.
Comment: This variant is classified as likely benign based on ACMG/AMP sequence variant interpretation guidelines (Richards et al. 2015 PMID: 25741868, with internal and published modifications).